The following is an entry in ClinVar:

ClinVar aggregate classification (germline): Uncertain significance. Review status: criteria provided, multiple submitters, no conflicts (2 of 4 stars). 2 submissions from 2 submitters: Uncertain significance (2). Last evaluated 2024-10-03.

Conditions:
Inborn genetic diseases. Identifiers: MedGen C0950123, MeSH D030342.

Allele frequency attached by ClinVar (database versions not stated): gnomAD exomes below 0.00001; TOPMed 0.00002; gnomAD 0.00003.
gnomAD v4.1: 5 of 1,614,056 alleles (0.00031%); highest among the groups gnomAD compares: African/African-American, 0.0053%; no homozygotes.

Submissions (2):

Ambry Genetics
Classification: Uncertain significance for Inborn genetic diseases. Last evaluated: 2024-10-03. Review status: criteria provided, single submitter. Criteria: Ambry Variant Classification Scheme 2023. Collection method: clinical testing. Allele origin: germline.

GeneDx
Classification: Uncertain significance. Last evaluated: 2016-07-01. Review status: criteria provided, single submitter. Criteria: GeneDx Variant Classification (06012015). Collection method: clinical testing. Allele origin: germline. Affected: yes.
Comment: A variant of uncertain significance has been identified in the CENPJ gene. The R723G variant has not been published as a pathogenic variant, nor has it been reported as a benign variant to our knowledge. It was not observed in approximately 6,500 individuals of European and African American ancestry in the NHLBI Exome Sequencing Project, indicating it is not a common benign variant in these populations. The R723G variant is a non-conservative amino acid substitution, which is likely to impact secondary protein structure as these residues differ in polarity, charge, size and/or other properties. However, this substitution occurs at a position that is not conserved, and in silico analysis predicts this variant likely does not alter the protein structure/function. Therefore, based on the currently available information, it is unclear whether this variant is a pathogenic variant or a rare benign variant.

NM_018451.5(CPAP):c.2167A>G (p.Arg723Gly)

Gene: CPAP (centrosome assembly and centriole elongation protein; minus strand). Cytogenetic location: 13q12.13.
Variant type: single nucleotide variant.
Coding change: c.2167A>G on transcript NM_018451.5 (MANE Select); coding-DNA position 2167, A replaced by G.
Protein change: p.Arg723Gly; replaces arginine 723 with glycine.
Molecular consequence: missense variant. On other transcripts: non-coding transcript variant (2).
Genome position (GRCh38, 1-based): chr13:24,905,871, T>C on the plus strand (A>G on the coding strand, the complement: CPAP is on the minus strand). VCF-style: chr13-24905871-T-C. GRCh37 (hg19) VCF-style: chr13-25480009-T-C.
Other names: short protein forms R723G.
Identifiers: ClinVar variation 421535 (VCV000421535.3), dbSNP rs989387440, ClinGen allele CA16619622.